The following is an entry in ClinVar:

NM_000059.4(BRCA2):c.55T>A (p.Cys19Ser)

Gene: BRCA2 (BRCA2 DNA repair associated; plus strand). Cytogenetic location: 13q13.1.
Variant type: single nucleotide variant.
Coding change: c.55T>A on transcript NM_000059.4 (MANE Select); coding-DNA position 55, T replaced by A.
Protein change: p.Cys19Ser; replaces cysteine 19 with serine.
Molecular consequence: missense variant. On other transcripts: non-coding transcript variant (1), intron variant (1).
Genome position (GRCh38, 1-based): chr13:32,316,515, T>A. VCF-style: chr13-32316515-T-A. GRCh37 (hg19) VCF-style: chr13-32890652-T-A.
Other names: c.55T>A, p.Cys19Ser (NM_001406719.1, NM_001406720.1, NM_001406721.1); c.-303+848T>A (NM_001406722.1); short protein forms C19S.
Identifiers: ClinVar variation 2828982 (VCV002828982.4), dbSNP rs2072262127, ClinGen allele CA387753075.

ClinVar aggregate classification (germline): Uncertain significance. Review status: criteria provided, multiple submitters, no conflicts (2 of 4 stars). 2 submissions from 2 submitters: Uncertain significance (2). Last evaluated 2025-11-04.

Conditions:
Hereditary cancer-predisposing syndrome. Also called: Neoplastic Syndromes, Hereditary; Tumor predisposition; Hereditary Cancer Syndrome; Hereditary neoplastic syndrome. Identifiers: Orphanet 140162, MedGen C0027672, MeSH D009386, MONDO:0015356.
Hereditary breast ovarian cancer syndrome. Also called: Hereditary breast and ovarian cancer; BRCA1- and BRCA2-Associated Hereditary Breast and Ovarian Cancer; Hereditary breast and ovarian cancer syndrome; Hereditary breast and ovarian cancer syndrome (HBOC); Breast and ovarian cancer; Hereditary breast and/or ovarian cancer syndrome. Identifiers: Orphanet 145, MedGen C0677776, MeSH D061325, MONDO:0003582. Disease mechanism: loss of function.

Allele frequency attached by ClinVar (database versions not stated): gnomAD exomes below 0.00001.
gnomAD v4.1: 1 of 1,613,896 alleles (0.000062%); highest among the groups gnomAD compares: Non-Finnish European, 0.000085%; no homozygotes.

Submissions (2):

Ambry Genetics
Classification: Uncertain significance for Hereditary cancer-predisposing syndrome. Last evaluated: 2025-11-04. Review status: criteria provided, single submitter. Criteria: Ambry Variant Classification Scheme 2023. Collection method: clinical testing. Allele origin: germline.
Comment: The p.C19S variant (also known as c.55T>A), located in coding exon 1 of the BRCA2 gene, results from a T to A substitution at nucleotide position 55. The cysteine at codon 19 is replaced by serine, an amino acid with dissimilar properties. This amino acid position is highly conserved in available vertebrate species. In addition, the in silico prediction for this alteration is inconclusive. Based on the available evidence, the clinical significance of this variant remains unclear.

Labcorp Genetics (formerly Invitae), Labcorp
Classification: Uncertain significance for Hereditary breast ovarian cancer syndrome. Last evaluated: 2025-05-12. Review status: criteria provided, single submitter. Criteria: Invitae Variant Classification Sherloc (09022015). Collection method: clinical testing. Allele origin: germline.
Comment: This sequence change replaces cysteine, which is neutral and slightly polar, with serine, which is neutral and polar, at codon 19 of the BRCA2 protein (p.Cys19Ser). This variant is not present in population databases (gnomAD no frequency). This variant has not been reported in the literature in individuals affected with BRCA2-related conditions. ClinVar contains an entry for this variant (Variation ID: 2828982). Invitae Evidence Modeling of protein sequence and biophysical properties (such as structural, functional, and spatial information, amino acid conservation, physicochemical variation, residue mobility, and thermodynamic stability) indicates that this missense variant is not expected to disrupt BRCA2 protein function with a negative predictive value of 95%. In summary, the available evidence is currently insufficient to determine the role of this variant in disease. Therefore, it has been classified as a Variant of Uncertain Significance.